The following is an entry in ClinVar:

NM_001351132.2(PEX5):c.583C>T (p.Gln195Ter)

Gene: PEX5 (peroxisomal biogenesis factor 5; plus strand). Cytogenetic location: 12p13.31.
Variant type: single nucleotide variant.
Coding change: c.583C>T on transcript NM_001351132.2 (MANE Select); coding-DNA position 583, C replaced by T.
Protein change: p.Gln195Ter; replaces glutamine 195 with a stop codon.
Molecular consequence: nonsense.
Genome position (GRCh38, 1-based): chr12:7,201,782, C>T. VCF-style: chr12-7201782-C-T. GRCh37 (hg19) VCF-style: chr12-7354378-C-T.
Other names: c.583C>T, p.Gln195Ter (NM_000319.5, NM_001131024.2, NM_001131025.2 and 19 more transcripts); c.628C>T, p.Gln210Ter (NM_001131023.2, NM_001351135.3, NM_001351138.2); short protein forms Q195*, Q210*.
Identifiers: ClinVar variation 1459850 (VCV001459850.3), dbSNP rs890363450, ClinGen allele CA232470857.
Genomic context (GRCh38, chr12:7,201,782, plus strand): 5'-TGTGTAAAATTAGTTCTTACCCGTTCCAGGTATGATGAATATCATCCTGAGGAGGATCTG[C>T]AGCACACGGCCAGTGACTTTGTGGCCAAAGTGGATGACCCCAAATTGGCTAATTCTGAGG-3'

ClinVar aggregate classification (germline): Pathogenic (1 of 4 stars; one submission).

Conditions:
Peroxisome biogenesis disorder 2B (PBD2B). Identifiers: Orphanet 44, MedGen C3550234, MONDO:0008736, OMIM 202370.

Allele frequency attached by ClinVar (database versions not stated): gnomAD 0.00001; gnomAD exomes 0.00001; TOPMed 0.00001.
gnomAD v4.1: 17 of 1,613,762 alleles (0.0011%); highest among the groups gnomAD compares: Non-Finnish European, 0.0012%; no homozygotes.

Submission:

Labcorp Genetics (formerly Invitae), Labcorp
Classification: Pathogenic for Peroxisome biogenesis disorder 2B. Last evaluated: 2022-02-10. Review status: criteria provided, single submitter. Criteria: Invitae Variant Classification Sherloc (09022015). Collection method: clinical testing. Allele origin: germline.
Comment: This sequence change creates a premature translational stop signal (p.Gln195*) in the PEX5 gene. It is expected to result in an absent or disrupted protein product. Loss-of-function variants in PEX5 are known to be pathogenic (PMID: 18712838, 21031596). This variant is present in population databases (no rsID available, gnomAD 0.003%). This variant has not been reported in the literature in individuals affected with PEX5-related conditions. For these reasons, this variant has been classified as Pathogenic.

Literature cited by the submitters: PubMed 18712838; PubMed 21031596.